The following is an entry in ClinVar:

NM_001374736.1(DST):c.21455C>T (p.Ala7152Val)

Gene: DST (dystonin; minus strand). Cytogenetic location: 6p12.1.
Variant type: single nucleotide variant.
Coding change: c.21455C>T on transcript NM_001374736.1 (MANE Select); coding-DNA position 21455, C replaced by T.
Protein change: p.Ala7152Val; replaces alanine 7152 with valine.
Molecular consequence: missense variant.
Genome position (GRCh38, 1-based): chr6:56,482,126, G>A on the plus strand (C>T on the coding strand, the complement: DST is on the minus strand). VCF-style: chr6-56482126-G-A. GRCh37 (hg19) VCF-style: chr6-56346924-G-A.
Other names: c.15098C>T, p.Ala5033Val (NM_001144769.5); c.14684C>T, p.Ala4895Val (NM_001144770.2); c.21455C>T, p.Ala7152Val (NM_001374722.1); c.20495C>T, p.Ala6832Val (NM_001374729.1); c.14237C>T, p.Ala4746Val (NM_001374730.1); c.21482C>T, p.Ala7161Val (NM_001374734.1); c.14564C>T, p.Ala4855Val (NM_001386100.1, NM_183380.4); c.13586C>T, p.Ala4529Val (NM_015548.5); short protein forms A4529V, A4746V, A4855V, A4895V, A5033V, A6832V, A7152V, A7161V.
Identifiers: ClinVar variation 1063538 (VCV001063538.7), dbSNP rs748051176, ClinGen allele CA3866469.

ClinVar aggregate classification (germline): Uncertain significance (1 of 4 stars; one submission).

Conditions:
Hereditary sensory and autonomic neuropathy type 6. Also called: HSAN VI; Neuropathy, hereditary sensory and autonomic, type VI. Identifiers: Orphanet 314381, MedGen C3539003, MONDO:0013839, OMIM 614653.
Epidermolysis bullosa simplex 3, localized or generalized intermediate, with BP230 deficiency (EBS3). Also called: Epidermolysis bullosa simplex due to BP230 deficiency; Epidermolysis bullosa simplex, autosomal recessive 2. Identifiers: Orphanet 412181, MedGen C3809470, MONDO:0014180, OMIM 615425.

Allele frequency attached by ClinVar (database versions not stated): gnomAD 0.00001; gnomAD exomes 0.00001 and 0.00004; ExAC 0.00002; TOPMed 0.00002.
gnomAD v4.1: 22 of 1,613,050 alleles (0.0014%); highest among the groups gnomAD compares: South Asian, 0.0099%; no homozygotes.

Submission:

Labcorp Genetics (formerly Invitae), Labcorp
Classification: Uncertain significance for Epidermolysis bullosa simplex 3, localized or generalized intermediate, with BP230 deficiency; Hereditary sensory and autonomic neuropathy type 6. Last evaluated: 2024-01-31. Review status: criteria provided, single submitter. Criteria: Invitae Variant Classification Sherloc (09022015). Collection method: clinical testing. Allele origin: germline.
Comment: The DST gene has multiple clinically relevant transcripts. This variant occurs in alternate transcript NM_015548.4, and corresponds to NM_001723.5:c.*133391C>T in the primary transcript. This sequence change replaces alanine, which is neutral and non-polar, with valine, which is neutral and non-polar, at codon 4529 of the DST protein (p.Ala4529Val). This variant is present in population databases (rs748051176, gnomAD 0.02%). This variant has not been reported in the literature in individuals affected with DST-related conditions. Experimental studies and prediction algorithms are not available or were not evaluated, and the functional significance of this variant is currently unknown. In summary, the available evidence is currently insufficient to determine the role of this variant in disease. Therefore, it has been classified as a Variant of Uncertain Significance.